The following is an entry in ClinVar:

NM_006231.4(POLE):c.1621G>A (p.Gly541Arg)

Gene: POLE (DNA polymerase epsilon, catalytic subunit; minus strand). Cytogenetic location: 12q24.33.
Variant type: single nucleotide variant.
Coding change: c.1621G>A on transcript NM_006231.4 (MANE Select); coding-DNA position 1621, G replaced by A.
Protein change: p.Gly541Arg; replaces glycine 541 with arginine.
Molecular consequence: missense variant.
Genome position (GRCh38, 1-based): chr12:132,672,692, C>T on the plus strand (G>A on the coding strand, the complement: POLE is on the minus strand). VCF-style: chr12-132672692-C-T. GRCh37 (hg19) VCF-style: chr12-133249278-C-T.
Other names: short protein forms G541R.
Identifiers: ClinVar variation 473472 (VCV000473472.12), dbSNP rs1555228286, ClinGen allele CA387356732.

ClinVar aggregate classification (germline): Uncertain significance. Review status: criteria provided, multiple submitters, no conflicts (2 of 4 stars). 2 submissions from 2 submitters: Uncertain significance (2). Last evaluated 2025-04-19.

Conditions:
Hereditary cancer-predisposing syndrome. Also called: Neoplastic Syndromes, Hereditary; Tumor predisposition; Hereditary Cancer Syndrome; Hereditary neoplastic syndrome. Identifiers: Orphanet 140162, MedGen C0027672, MeSH D009386, MONDO:0015356.

Allele frequency attached by ClinVar (database versions not stated): gnomAD exomes below 0.00001; gnomAD 0.00001.
gnomAD v4.1: 9 of 1,614,024 alleles (0.00056%); highest among the groups gnomAD compares: Non-Finnish European, 0.00076%; no homozygotes.

Submissions (2):

Ambry Genetics
Classification: Uncertain significance for Hereditary cancer-predisposing syndrome. Last evaluated: 2025-04-19. Review status: criteria provided, single submitter. Criteria: Ambry Variant Classification Scheme 2023. Collection method: clinical testing. Allele origin: germline.
Comment: The p.G541R variant (also known as c.1621G>A), located in coding exon 15 of the POLE gene, results from a G to A substitution at nucleotide position 1621. The glycine at codon 541 is replaced by arginine, an amino acid with dissimilar properties. This amino acid position is conserved. In addition, this alteration is predicted to be deleterious by in silico analysis. Since supporting evidence is limited at this time, the clinical significance of this alteration remains unclear.

Labcorp Genetics (formerly Invitae), Labcorp
Classification: Uncertain significance. Last evaluated: 2024-11-06. Review status: criteria provided, single submitter. Criteria: Invitae Variant Classification Sherloc (09022015). Collection method: clinical testing. Allele origin: germline.
Comment: This sequence change replaces glycine, which is neutral and non-polar, with arginine, which is basic and polar, at codon 541 of the POLE protein (p.Gly541Arg). This variant is not present in population databases (gnomAD no frequency). This variant has not been reported in the literature in individuals affected with POLE-related conditions. ClinVar contains an entry for this variant (Variation ID: 473472). Invitae Evidence Modeling of protein sequence and biophysical properties (such as structural, functional, and spatial information, amino acid conservation, physicochemical variation, residue mobility, and thermodynamic stability) indicates that this missense variant is expected to disrupt POLE protein function with a positive predictive value of 80%. In summary, the available evidence is currently insufficient to determine the role of this variant in disease. Therefore, it has been classified as a Variant of Uncertain Significance.